The following is an entry in ClinVar:

ClinVar aggregate classification (germline): Uncertain significance (1 of 4 stars; one submission).

Conditions:
Ataxia-telangiectasia syndrome (AT). Also called: Cerebello-oculocutaneous telangiectasia; Immunodeficiency with ataxia telangiectasia; LOUIS-BAR SYNDROME; AT, COMPLEMENTATION GROUP C; ATAXIA-TELANGIECTASIA, COMPLEMENTATION GROUP A; ATAXIA-TELANGIECTASIA, FRESNO VARIANT. Identifiers: Orphanet 100, MedGen C0004135, MONDO:0008840, OMIM 208900.

Submission:

Labcorp Genetics (formerly Invitae), Labcorp
Classification: Uncertain significance for Ataxia-telangiectasia syndrome. Last evaluated: 2019-06-24. Review status: criteria provided, single submitter. Criteria: Invitae Variant Classification Sherloc (09022015). Collection method: clinical testing. Allele origin: germline.
Comment: In summary, the available evidence is currently insufficient to determine the role of this variant in disease. Therefore, it has been classified as a Variant of Uncertain Significance. Experimental studies and prediction algorithms are not available or were not evaluated for this variant, and the functional significance of the affected amino acid(s) is currently unknown. This variant, c.4400_4405dup, results in the insertion of 2 amino acid(s) to the ATM protein (p.Val1468_Ile1469insAsnVal), but otherwise preserves the integrity of the reading frame. This variant is not present in population databases (ExAC no frequency). This variant has not been reported in the literature in individuals with ATM-related conditions.

NM_000051.4(ATM):c.4400_4405dup (p.Val1468_Ile1469insAsnVal)

Gene: ATM (ATM serine/threonine kinase; plus strand). Cytogenetic location: 11q22.3.
Variant type: Duplication.
Coding change: c.4400_4405dup on transcript NM_000051.4 (MANE Select); coding-DNA positions 4400 to 4405, 6 bases duplicated (ACGTTA; older notation c.4400_4405dupACGTTA).
Protein change: p.Val1468_Ile1469insAsnVal.
Molecular consequence: inframe insertion.
Genome position (GRCh38, 1-based): chr11:108,289,765-108,289,770, ACGTTA duplicated. VCF-style (leftmost placement, unchanged base first): chr11-108289764-G-GACGTTA. GRCh37 (hg19) VCF-style: chr11-108160491-G-GACGTTA.
Other names: c.4400_4405dup, p.Val1468_Ile1469insAsnVal (NM_001351834.2).
Identifiers: ClinVar variation 935722 (VCV000935722.9), dbSNP rs2082683548, ClinGen allele CA1139662304.
Genomic context (GRCh38, chr11:108,289,764, plus strand): 5'-AGTTTATTACTGAAAGATATAAAAAGTGGCTTAGGAGGAGCTTGGGCCTTTGTTCTTCGA[G>GACGTTA]ACGTTATTTATACTTTGATTCACTATATCAACCAAAGGTAAATAACATATTTAGACCAAT-3'